The following is an entry in ClinVar:

ClinVar aggregate classification (germline): not provided (0 of 4 stars; one submission).

Allele frequency attached by ClinVar (database versions not stated): gnomAD exomes below 0.00001; gnomAD 0.00001.
gnomAD v4.1: 8 of 1,614,178 alleles (0.0005%); highest among the groups gnomAD compares: East Asian, 0.0022%; no homozygotes.

Submission:

Human Evolutionary Genetics, Institut Pasteur
No classification provided. Review status: no classification provided. Collection method: not provided. Allele origin: germline.
ClinVar note: Converted during submission from untested to not provided.

NM_033004.4(NLRP1):c.2817G>A (p.Val939=)

Gene: NLRP1 (NLR family pyrin domain containing 1; minus strand). Cytogenetic location: 17p13.2.
Variant type: single nucleotide variant.
Coding change: c.2817G>A on transcript NM_033004.4 (MANE Select); coding-DNA position 2817, G replaced by A.
Protein change: p.Val939=; no amino-acid change (valine 939 retained).
Molecular consequence: synonymous variant.
Genome position (GRCh38, 1-based): chr17:5,539,468, C>T on the plus strand (G>A on the coding strand, the complement: NLRP1 is on the minus strand). VCF-style: chr17-5539468-C-T. GRCh37 (hg19) VCF-style: chr17-5442788-C-T.
Other names: c.2817G>A, p.Val939= (NM_001033053.3, NM_014922.5, NM_033006.4 and 1 more transcripts).
Identifiers: ClinVar variation 103020 (VCV000103020.2), dbSNP rs199475702, ClinGen allele CA018466.
Genomic context (GRCh38, chr17:5,539,468, plus strand): 5'-GCCTTACCCCAGGCGTATGAGTTTGCAGGCAGGATGCCTGAGCCCCTCACAGAGCAGTCG[C>T]ACGCCAACGTCATCCAGGTTGTTCTGCTGCAGGTCTAGCTCCTTCAGGCTGGGGCTGGCA-3'
Protein context (NP_127497.1, residues 929-949): LQQNNLDDVG[Val939=]RLLCEGLRHP